The following is an entry in ClinVar:

NM_004958.4(MTOR):c.124A>G (p.Lys42Glu)

Gene: MTOR (mechanistic target of rapamycin kinase; minus strand). Cytogenetic location: 1p36.22.
Variant type: single nucleotide variant.
Coding change: c.124A>G on transcript NM_004958.4 (MANE Select); coding-DNA position 124, A replaced by G.
Protein change: p.Lys42Glu; replaces lysine 42 with glutamic acid.
Molecular consequence: missense variant. On other transcripts: 5 prime UTR variant (1).
Genome position (GRCh38, 1-based): chr1:11,259,286, T>C on the plus strand (A>G on the coding strand, the complement: MTOR is on the minus strand). VCF-style: chr1-11259286-T-C. GRCh37 (hg19) VCF-style: chr1-11319343-T-C.
Other names: c.124A>G, p.Lys42Glu (NM_001386500.1); c.-1016A>G (NM_001386501.1); short protein forms K42E.
Identifiers: ClinVar variation 3633508 (VCV003633508.2).

ClinVar aggregate classification (germline): Uncertain significance (1 of 4 stars; one submission).

Submission:

Labcorp Genetics (formerly Invitae), Labcorp
Classification: Uncertain significance. Last evaluated: 2024-12-28. Review status: criteria provided, single submitter. Criteria: Invitae Variant Classification Sherloc (09022015). Collection method: clinical testing. Allele origin: germline.
Comment: This sequence change replaces lysine, which is basic and polar, with glutamic acid, which is acidic and polar, at codon 42 of the MTOR protein (p.Lys42Glu). This variant is not present in population databases (gnomAD no frequency). This variant has not been reported in the literature in individuals affected with MTOR-related conditions. Invitae Evidence Modeling of protein sequence and biophysical properties (such as structural, functional, and spatial information, amino acid conservation, physicochemical variation, residue mobility, and thermodynamic stability) indicates that this missense variant is not expected to disrupt MTOR protein function with a negative predictive value of 95%. In summary, the available evidence is currently insufficient to determine the role of this variant in disease. Therefore, it has been classified as a Variant of Uncertain Significance.